The following is an entry in ClinVar:

NM_004456.5(EZH2):c.537T>G (p.Gly179=)

Gene: EZH2 (enhancer of zeste 2 polycomb repressive complex 2 subunit; minus strand). Cytogenetic location: 7q36.1.
Variant type: single nucleotide variant.
Coding change: c.537T>G on transcript NM_004456.5 (MANE Select); coding-DNA position 537, T replaced by G.
Protein change: p.Gly179=; no amino-acid change (glycine 179 retained).
Molecular consequence: synonymous variant.
Genome position (GRCh38, 1-based): chr7:148,828,828, A>C on the plus strand (T>G on the coding strand, the complement: EZH2 is on the minus strand). VCF-style: chr7-148828828-A-C. GRCh37 (hg19) VCF-style: chr7-148525920-A-C.
Other names: c.537T>G, p.Gly179= (NM_001203247.2); c.510T>G, p.Gly170= (NM_001203248.2, NM_001203249.2); c.420T>G, p.Gly140= (NM_152998.3).
Identifiers: ClinVar variation 701554 (VCV000701554.15), dbSNP rs776298138, ClinGen allele CA4548109.

ClinVar aggregate classification (germline): Likely benign. Review status: criteria provided, multiple submitters, no conflicts (2 of 4 stars). 2 submissions from 2 submitters: Likely benign (2). Last evaluated 2025-12-01.

Conditions:
Weaver syndrome (WVS). Also called: Weaver Smith syndrome; Overgrowth syndrome with accelerated skeletal maturation, unusual facies, and camptodactyly. Identifiers: Orphanet 3447, MedGen C0265210, MONDO:0010193, OMIM 277590.

Allele frequency attached by ClinVar (database versions not stated): gnomAD 0.00001; ExAC 0.00002; gnomAD exomes 0.00002; TOPMed 0.00005.
gnomAD v4.1: 10 of 1,613,592 alleles (0.00062%); highest among the groups gnomAD compares: Admixed American, 0.0083%; no homozygotes.

Submissions (2):

CeGaT Center for Human Genetics Tuebingen
Classification: Likely benign. Last evaluated: 2025-12-01. Review status: criteria provided, single submitter. Criteria: CeGaT Center For Human Genetics Tuebingen Variant Classification Criteria Version 2. Collection method: clinical testing. Allele origin: germline. Affected: yes. Observed: 1 variant allele.
Comment: EZH2: BP4, BP7

Labcorp Genetics (formerly Invitae), Labcorp
Classification: Likely benign for Weaver syndrome. Last evaluated: 2024-12-06. Review status: criteria provided, single submitter. Criteria: Invitae Variant Classification Sherloc (09022015). Collection method: clinical testing. Allele origin: germline.